The following is an entry in ClinVar:

NM_000051.4(ATM):c.8647G>A (p.Ala2883Thr)

Genes: C11orf65 (chromosome 11 open reading frame 65; minus strand), ATM (ATM serine/threonine kinase; plus strand). Cytogenetic location: 11q22.3.
Variant type: single nucleotide variant.
Coding change: c.8647G>A on transcript NM_000051.4 (MANE Select); coding-DNA position 8647, G replaced by A.
Protein change: p.Ala2883Thr; replaces alanine 2883 with threonine.
Molecular consequence: missense variant. On other transcripts: intron variant (2).
Genome position (GRCh38, 1-based): chr11:108,347,341, G>A. VCF-style: chr11-108347341-G-A. GRCh37 (hg19) VCF-style: chr11-108218068-G-A.
Other names: c.8647G>A, p.Ala2883Thr (NM_001351834.2); c.641-38270C>T (NM_001330368.2); c.695-12049C>T (NM_001351110.2); short protein forms A2883T.
Identifiers: ClinVar variation 5031093 (VCV005031093.1).

ClinVar aggregate classification (germline): Uncertain significance (1 of 4 stars; one submission).

Conditions:
Hereditary cancer-predisposing syndrome. Also called: Neoplastic Syndromes, Hereditary; Tumor predisposition; Hereditary neoplastic syndrome; Hereditary Cancer Syndrome. Identifiers: Orphanet 140162, MedGen C0027672, MeSH D009386, MONDO:0015356.

gnomAD v4.1: 1 of 1,609,082 alleles (0.000062%); highest among the groups gnomAD compares: Non-Finnish European, 0.000085%; no homozygotes.

Submission:

Ambry Genetics
Classification: Uncertain significance for Hereditary cancer-predisposing syndrome. Last evaluated: 2026-08-28. Review status: criteria provided, single submitter. Criteria: Ambry Variant Classification Scheme 2023. Collection method: clinical testing. Allele origin: germline.
Comment: The p.A2883T variant (also known as c.8647G>A), located in coding exon 58 of the ATM gene, results from a G to A substitution at nucleotide position 8647. The alanine at codon 2883 is replaced by threonine, an amino acid with similar properties. In an assay testing ATM function, this variant showed a functionally abnormal result (Lee KS et al. Cell, 2025 Sep;188:5081-5099.e27). This amino acid position is highly conserved in available vertebrate species. In addition, this alteration is predicted to be deleterious by in silico analysis. Based on the available evidence, the clinical significance of this variant remains unclear.

Literature cited by the submitters: PubMed 40580951.